The following is an entry in ClinVar:

NM_001184.4(ATR):c.457T>C (p.Phe153Leu)

Gene: ATR (ATR checkpoint kinase; minus strand). Cytogenetic location: 3q23.
Variant type: single nucleotide variant.
Coding change: c.457T>C on transcript NM_001184.4 (MANE Select); coding-DNA position 457, T replaced by C.
Protein change: p.Phe153Leu; replaces phenylalanine 153 with leucine.
Molecular consequence: missense variant.
Genome position (GRCh38, 1-based): chr3:142,562,945, A>G on the plus strand (T>C on the coding strand, the complement: ATR is on the minus strand). VCF-style: chr3-142562945-A-G. GRCh37 (hg19) VCF-style: chr3-142281787-A-G.
Other names: c.457T>C, p.Phe153Leu (NM_001354579.2); short protein forms F153L.
Identifiers: ClinVar variation 3250417 (VCV003250417.1), dbSNP rs201181535.

ClinVar aggregate classification (germline): Uncertain significance (1 of 4 stars; one submission).

Conditions:
Seckel syndrome 1 (SCKL1). Also called: MICROCEPHALIC PRIMORDIAL DWARFISM I. Identifiers: Orphanet 808, MedGen C4551474, MONDO:0008869, OMIM 210600.

Allele frequency attached by ClinVar (database versions not stated): ExAC 0.00001; gnomAD 0.00001; gnomAD exomes 0.00001; 1000 Genomes Project 30x 0.00016; 1000 Genomes Project 0.00020.
gnomAD v4.1: 27 of 1,613,184 alleles (0.0017%); highest among the groups gnomAD compares: South Asian, 0.015%; no homozygotes.

Submission:

Neuberg Centre For Genomic Medicine, NCGM
Classification: Uncertain significance for Seckel syndrome 1. Review status: criteria provided, single submitter. Criteria: ACMG Guidelines, 2015. Collection method: clinical testing. Allele origin: germline. Inheritance: Autosomal recessive inheritance. Affected: yes.
Comment: The missense c.457T>C (p.Phe153Leu) variant in ATR gene has not been reported previously as a pathogenic variant nor as a benign variant, to our knowledge. The p.Phe153Leu variant is reported with an allele frequency of 0.004% in the gnomAD exomes database. This variant has not been reported to the ClinVar database. The amino acid change p.Phe153Leu in ATR is predicted as conserved by GERP++ and PhyloP across 100 vertebrates. The amino acid Phe at position 153 is changed to a Leu changing protein sequence and it might alter its composition and physico-chemical properties. For these reasons, this variant has been classified as a Variant of Uncertain Significance (VUS).